The following is an entry in ClinVar:

ClinVar aggregate classification (germline): Likely benign. Review status: criteria provided, multiple submitters, no conflicts (2 of 4 stars). 2 submissions from 2 submitters: Likely benign (2). Last evaluated 2018-01-13.

Conditions:
Isolated growth hormone deficiency type IB (IGHD1B). Also called: IGHD IB; IGHD 1B. Identifiers: Orphanet 231671, Orphanet 631, MedGen C2748571, MONDO:0013006, OMIM 612781.

Allele frequency attached by ClinVar (database versions not stated): TOPMed 0.02795; gnomAD 0.02843 and 0.02852; 1000 Genomes Project 0.02995; 1000 Genomes Project 30x 0.02998; gnomAD exomes 0.03104.
gnomAD v4.1: 15,201 of 499,380 alleles (3%); highest among the groups gnomAD compares: Middle Eastern, 6.9%; 311 homozygotes.

Submissions (2):

Illumina Laboratory Services, Illumina
Classification: Likely benign for Isolated growth hormone deficiency type IB. Last evaluated: 2018-01-13. Review status: criteria provided, single submitter. Criteria: ICSL Variant Classification Criteria 13 December 2019. Collection method: clinical testing. Allele origin: germline.
Comment: This variant was observed in the ICSL laboratory as part of a predisposition screen in an ostensibly healthy population. It had not been previously curated by ICSL or reported in the Human Gene Mutation Database (HGMD: prior to June 1st, 2018), and was therefore a candidate for classification through an automated scoring system. Utilizing variant allele frequency, disease prevalence and penetrance estimates, and inheritance mode, an automated score was calculated to assess if this variant is too frequent to cause the disease. Based on the score and internal cut-off values, a variant classified as likely benign is not then subjected to further curation. The score for this variant resulted in a classification of likely benign for this disease.

Breakthrough Genomics
Classification: Likely benign. Review status: criteria provided, single submitter. Criteria: ACMG Guidelines, 2015. Collection method: not provided. Allele origin: germline. Inheritance: Autosomal recessive inheritance. Affected: yes.

NM_000823.4(GHRHR):c.*236C>A

Gene: GHRHR (growth hormone releasing hormone receptor; plus strand). Cytogenetic location: 7p14.3.
Variant type: single nucleotide variant.
Coding change: c.*236C>A on transcript NM_000823.4 (MANE Select); 236 bases downstream of the stop codon, C replaced by A.
Molecular consequence: 3 prime UTR variant.
Genome position (GRCh38, 1-based): chr7:30,979,480, C>A. VCF-style: chr7-30979480-C-A. GRCh37 (hg19) VCF-style: chr7-31019095-C-A.
Identifiers: ClinVar variation 360042 (VCV000360042.6), dbSNP rs28371564, ClinGen allele CA10623844.